The following is an entry in ClinVar:

ClinVar aggregate classification (germline): Uncertain significance. Review status: criteria provided, multiple submitters, no conflicts (2 of 4 stars). 2 submissions from 2 submitters: Uncertain significance (2). Last evaluated 2023-07-17.

Conditions:
Hereditary cancer-predisposing syndrome. Also called: Hereditary neoplastic syndrome; Hereditary Cancer Syndrome; Neoplastic Syndromes, Hereditary; Tumor predisposition. Identifiers: Orphanet 140162, MedGen C0027672, MeSH D009386, MONDO:0015356.
Rhabdoid tumor predisposition syndrome 2 (RTPS2). Identifiers: Orphanet 231108, Orphanet 69077, MedGen C2750074, MONDO:0013224, OMIM 613325.

Submissions (2):

Labcorp Genetics (formerly Invitae), Labcorp
Classification: Uncertain significance for Rhabdoid tumor predisposition syndrome 2. Last evaluated: 2023-07-17. Review status: criteria provided, single submitter. Criteria: Invitae Variant Classification Sherloc (09022015). Collection method: clinical testing. Allele origin: germline.
Comment: This variant has not been reported in the literature in individuals affected with SMARCA4-related conditions. Advanced modeling of protein sequence and biophysical properties (such as structural, functional, and spatial information, amino acid conservation, physicochemical variation, residue mobility, and thermodynamic stability) performed at Invitae indicates that this missense variant is not expected to disrupt SMARCA4 protein function. In summary, the available evidence is currently insufficient to determine the role of this variant in disease. Therefore, it has been classified as a Variant of Uncertain Significance. This variant is not present in population databases (gnomAD no frequency). This sequence change replaces aspartic acid, which is acidic and polar, with valine, which is neutral and non-polar, at codon 1601 of the SMARCA4 protein (p.Asp1601Val).

Ambry Genetics
Classification: Uncertain significance for Hereditary cancer-predisposing syndrome. Last evaluated: 2023-04-25. Review status: criteria provided, single submitter. Criteria: Ambry Variant Classification Scheme 2023. Collection method: clinical testing. Allele origin: germline.
Comment: The p.D1601V variant (also known as c.4802A>T), located in coding exon 33 of the SMARCA4 gene, results from an A to T substitution at nucleotide position 4802. The aspartic acid at codon 1601 is replaced by valine, an amino acid with highly dissimilar properties. This amino acid position is not well conserved in available vertebrate species. In addition, this alteration is predicted to be tolerated by in silico analysis. Missense and in-frame variants in SMARCA4 are known to cause neurodevelopmental disorders; however, such associations with rhabdoid tumor predisposition syndrome including small cell carcinoma of the ovary-hypercalcemic type (SCCOHT) are exceedingly rare (Kosho T et al. Am J Med Genet C Semin Med Genet. 2014 Sep;166C(3):262-75; Jelinic P et al. Nat Genet. 2014 May;46(5):424-6). Since supporting evidence is limited at this time, the clinical significance of this alteration remains unclear.

NM_003072.5(SMARCA4):c.4706A>T (p.Asp1569Val)

Gene: SMARCA4 (SWI/SNF related BAF chromatin remodeling complex subunit ATPase 4; plus strand). Cytogenetic location: 19p13.2.
Variant type: single nucleotide variant.
Coding change: c.4706A>T on transcript NM_003072.5 (MANE Select); coding-DNA position 4706, A replaced by T.
Protein change: p.Asp1569Val; replaces aspartic acid 1569 with valine.
Molecular consequence: missense variant. On other transcripts: non-coding transcript variant (1).
Genome position (GRCh38, 1-based): chr19:11,059,823, A>T. VCF-style: chr19-11059823-A-T. GRCh37 (hg19) VCF-style: chr19-11170499-A-T.
Other names: c.4706A>T, p.Asp1569Val (NM_001128844.3); c.4616A>T, p.Asp1539Val (NM_001128845.2); c.4613A>T, p.Asp1538Val (NM_001128846.2); c.4607A>T, p.Asp1536Val (NM_001128847.4, NM_001374457.1); c.4604A>T, p.Asp1535Val (NM_001128848.2); c.4802A>T, p.Asp1601Val (NM_001128849.3, NM_001387283.1); c.4703A>T, p.Asp1568Val (NM_001411150.1); short protein forms D1538V, D1539V, D1601V, D1536V, D1569V, D1535V, D1568V.
Identifiers: ClinVar variation 2567143 (VCV002567143.5), dbSNP rs2147114941, ClinGen allele CA404079480.